The following is an entry in ClinVar:

NM_001330078.2(NRXN1):c.4229G>A (p.Arg1410Gln)

Gene: NRXN1 (neurexin 1; minus strand). Cytogenetic location: 2p16.3.
Variant type: single nucleotide variant.
Coding change: c.4229G>A on transcript NM_001330078.2 (MANE Select); coding-DNA position 4229, G replaced by A.
Protein change: p.Arg1410Gln; replaces arginine 1410 with glutamine.
Molecular consequence: missense variant.
Genome position (GRCh38, 1-based): chr2:49,922,239, C>T on the plus strand (G>A on the coding strand, the complement: NRXN1 is on the minus strand). VCF-style: chr2-49922239-C-T. GRCh37 (hg19) VCF-style: chr2-50149377-C-T.
Other names: c.4349G>A, p.Arg1450Gln (NM_001135659.3); c.134G>A, p.Arg45Gln (NM_001320156.4); c.125G>A, p.Arg42Gln (NM_001320157.4); c.4205G>A, p.Arg1402Gln (NM_001330077.2); c.4196G>A, p.Arg1399Gln (NM_001330082.2); c.4064G>A, p.Arg1355Gln (NM_001330083.2); c.4163G>A, p.Arg1388Gln (NM_001330084.2); c.4202G>A, p.Arg1401Gln (NM_001330085.2); and 12 more; short protein forms R1343Q, R1399Q, R1403Q, R1409Q, R372Q, R375Q, R45Q, R1363Q.
Identifiers: ClinVar variation 899100 (VCV000899100.12), dbSNP rs1191478388, ClinGen allele CA346818798.

ClinVar aggregate classification (germline): Uncertain significance. Review status: criteria provided, multiple submitters, no conflicts (2 of 4 stars). 4 submissions from 4 submitters: Uncertain significance (4). Last evaluated 2024-09-30.

Conditions:
Pitt-Hopkins-like syndrome 2 (PTHSL2). Identifiers: Orphanet 221150, Orphanet 600663, MedGen C3280479, MONDO:0013690, OMIM 614325.
Inborn genetic diseases. Identifiers: MedGen C0950123, MeSH D030342.

Allele frequency attached by ClinVar (database versions not stated): gnomAD exomes below 0.00001; TOPMed 0.00004; gnomAD 0.00005 and 0.00006.
gnomAD v4.1: 34 of 1,613,544 alleles (0.0021%); highest among the groups gnomAD compares: African/African-American, 0.0053%; no homozygotes.

Submissions (4):

Labcorp Genetics (formerly Invitae), Labcorp
Classification: Uncertain significance for Pitt-Hopkins-like syndrome 2. Last evaluated: 2024-09-30. Review status: criteria provided, single submitter. Criteria: Invitae Variant Classification Sherloc (09022015). Collection method: clinical testing. Allele origin: germline.
Comment: This sequence change replaces arginine, which is basic and polar, with glutamine, which is neutral and polar, at codon 1450 of the NRXN1 protein (p.Arg1450Gln). The frequency data for this variant in the population databases is considered unreliable, as metrics indicate poor data quality at this position in the gnomAD database. This missense change has been observed in individual(s) with clinical features of NRXN1-related conditions (PMID: 22504536). ClinVar contains an entry for this variant (Variation ID: 899100). Invitae Evidence Modeling of protein sequence and biophysical properties (such as structural, functional, and spatial information, amino acid conservation, physicochemical variation, residue mobility, and thermodynamic stability) indicates that this missense variant is not expected to disrupt NRXN1 protein function with a negative predictive value of 80%. In summary, the available evidence is currently insufficient to determine the role of this variant in disease. Therefore, it has been classified as a Variant of Uncertain Significance.

Revvity Omics, Revvity
Classification: Uncertain significance for Pitt-Hopkins-like syndrome 2. Last evaluated: 2019-09-25. Review status: criteria provided, single submitter. Criteria: ACMG Guidelines, 2015. Collection method: clinical testing. Allele origin: germline.

Ambry Genetics
Classification: Uncertain significance for Inborn genetic diseases. Last evaluated: 2018-01-05. Review status: criteria provided, single submitter. Criteria: Ambry Variant Classification Scheme 2023. Collection method: clinical testing. Allele origin: germline.
Comment: The p.R1450Q variant (also known as c.4349G>A), located in coding exon 23 of the NRXN1 gene, results from a G to A substitution at nucleotide position 4349. The arginine at codon 1450 is replaced by glutamine, an amino acid with highly similar properties. When R375Q was over-expressed in cultured hippocampal neurons, the mutant had ~60% reduction in synaptic neurexin levels, compared to wild type. This amino acid position is not well conserved in available vertebrate species. In addition, the in silico prediction for this alteration is inconclusive. Since supporting evidence is limited at this time, the clinical significance of this alteration remains unclear.

Illumina Laboratory Services, Illumina
Classification: Uncertain significance for Pitt-Hopkins-like syndrome 2. Last evaluated: 2017-04-28. Review status: criteria provided, single submitter. Criteria: ICSL Variant Classification Criteria 13 December 2019. Collection method: clinical testing. Allele origin: germline.
Comment: This variant was observed as part of a predisposition screen in an ostensibly healthy population. A literature search was performed for the gene, cDNA change, and amino acid change (where applicable). Publications were found based on this search. However, the evidence from the literature, in combination with allele frequency data from public databases where available, was not sufficient to rule this variant in or out of causing disease. Therefore, this variant is classified as a variant of unknown significance.

Literature cited by the submitters: PubMed 22504536 (cited by 3 submitters).